The following is an entry in ClinVar:

ClinVar aggregate classification (germline): Uncertain significance (1 of 4 stars; one submission).

Conditions:
Vici syndrome (VICIS). Identifiers: Orphanet 1493, MedGen C1855772, MONDO:0009452, OMIM 242840.

Allele frequency attached by ClinVar (database versions not stated): gnomAD exomes below 0.00001; gnomAD 0.00001.
gnomAD v4.1: 2 of 1,613,832 alleles (0.00012%); highest among the groups gnomAD compares: Non-Finnish European, 0.00017%; no homozygotes.

Submission:

Labcorp Genetics (formerly Invitae), Labcorp
Classification: Uncertain significance for Vici syndrome. Last evaluated: 2022-11-10. Review status: criteria provided, single submitter. Criteria: Invitae Variant Classification Sherloc (09022015). Collection method: clinical testing. Allele origin: germline.
Comment: Advanced modeling of protein sequence and biophysical properties (such as structural, functional, and spatial information, amino acid conservation, physicochemical variation, residue mobility, and thermodynamic stability) performed at Invitae indicates that this missense variant is expected to disrupt EPG5 protein function. In summary, the available evidence is currently insufficient to determine the role of this variant in disease. Therefore, it has been classified as a Variant of Uncertain Significance. This variant has not been reported in the literature in individuals affected with EPG5-related conditions. This variant is present in population databases (no rsID available, gnomAD 0.0009%). This sequence change replaces proline, which is neutral and non-polar, with serine, which is neutral and polar, at codon 2044 of the EPG5 protein (p.Pro2044Ser).

NM_020964.3(EPG5):c.6130C>T (p.Pro2044Ser)

Gene: EPG5 (ectopic P-granules 5 autophagy tethering factor; minus strand). Cytogenetic location: 18q12.3.
Variant type: single nucleotide variant.
Coding change: c.6130C>T on transcript NM_020964.3 (MANE Select); coding-DNA position 6130, C replaced by T.
Protein change: p.Pro2044Ser; replaces proline 2044 with serine.
Molecular consequence: missense variant.
Genome position (GRCh38, 1-based): chr18:45,870,662, G>A on the plus strand (C>T on the coding strand, the complement: EPG5 is on the minus strand). VCF-style: chr18-45870662-G-A. GRCh37 (hg19) VCF-style: chr18-43450627-G-A.
Other names: c.6130C>T, p.Pro2044Ser (NM_001410858.1); c.6127C>T, p.Pro2043Ser (NM_001410859.1); short protein forms P2044S, P2043S.
Identifiers: ClinVar variation 2811858 (VCV002811858.3), dbSNP rs1289861507, ClinGen allele CA402340694.